The following is an entry in ClinVar:

NM_004385.5(VCAN):c.2614G>A (p.Asp872Asn)

Gene: VCAN (versican; plus strand). Cytogenetic location: 5q14.3.
Variant type: single nucleotide variant.
Coding change: c.2614G>A on transcript NM_004385.5 (MANE Select); coding-DNA position 2614, G replaced by A.
Protein change: p.Asp872Asn; replaces aspartic acid 872 with asparagine.
Molecular consequence: missense variant. On other transcripts: intron variant (2).
Genome position (GRCh38, 1-based): chr5:83,520,920, G>A. VCF-style: chr5-83520920-G-A. GRCh37 (hg19) VCF-style: chr5-82816739-G-A.
Other names: c.2614G>A, p.Asp872Asn (NM_001164098.2); c.1042+8524G>A (NM_001164097.2, NM_001126336.3); short protein forms D872N.
Identifiers: ClinVar variation 967261 (VCV000967261.9), dbSNP rs1485906481, ClinGen allele CA360304316.

ClinVar aggregate classification (germline): Uncertain significance (1 of 4 stars; one submission).

Allele frequency attached by ClinVar (database versions not stated): TOPMed below 0.00001; gnomAD 0.00001.

Submission:

Labcorp Genetics (formerly Invitae), Labcorp
Classification: Uncertain significance. Last evaluated: 2019-11-15. Review status: criteria provided, single submitter. Criteria: Invitae Variant Classification Sherloc (09022015). Collection method: clinical testing. Allele origin: germline.
Comment: In summary, the available evidence is currently insufficient to determine the role of this variant in disease. Therefore, it has been classified as a Variant of Uncertain Significance. Algorithms developed to predict the effect of missense changes on protein structure and function are either unavailable or do not agree on the potential impact of this missense change (SIFT: "Tolerated"; PolyPhen-2: "Possibly Damaging"; Align-GVGD: "Class C0"). This sequence change replaces aspartic acid with asparagine at codon 872 of the VCAN protein (p.Asp872Asn). The aspartic acid residue is highly conserved and there is a small physicochemical difference between aspartic acid and asparagine. This variant is not present in population databases (ExAC no frequency). This variant has not been reported in the literature in individuals with VCAN-related conditions.